The following is an entry in ClinVar:

ClinVar aggregate classification (germline): Uncertain significance (1 of 4 stars; one submission).

Conditions:
Norman-Roberts syndrome (LIS2). Also called: Lissencephaly 2 (Norman-Roberts type). Identifiers: Orphanet 89844, MedGen C0796089, MONDO:0009760, OMIM 257320.
Familial temporal lobe epilepsy 7. Identifiers: Orphanet 101046, MedGen C4225327, MONDO:0014639, OMIM 616436.

Submission:

Labcorp Genetics (formerly Invitae), Labcorp
Classification: Uncertain significance for Familial temporal lobe epilepsy 7; Norman-Roberts syndrome. Last evaluated: 2023-08-17. Review status: criteria provided, single submitter. Criteria: Invitae Variant Classification Sherloc (09022015). Collection method: clinical testing. Allele origin: germline.
Comment: In summary, the available evidence is currently insufficient to determine the role of this variant in disease. Therefore, it has been classified as a Variant of Uncertain Significance. This sequence change replaces proline, which is neutral and non-polar, with serine, which is neutral and polar, at codon 2152 of the RELN protein (p.Pro2152Ser). This variant is not present in population databases (gnomAD no frequency). This variant has not been reported in the literature in individuals affected with RELN-related conditions. ClinVar contains an entry for this variant (Variation ID: 1025001). Advanced modeling of protein sequence and biophysical properties (such as structural, functional, and spatial information, amino acid conservation, physicochemical variation, residue mobility, and thermodynamic stability) performed at Invitae indicates that this missense variant is not expected to disrupt RELN protein function.

NM_005045.4(RELN):c.6454C>T (p.Pro2152Ser)

Gene: RELN (reelin; minus strand). Cytogenetic location: 7q22.1.
Variant type: single nucleotide variant.
Coding change: c.6454C>T on transcript NM_005045.4 (MANE Select); coding-DNA position 6454, C replaced by T.
Protein change: p.Pro2152Ser; replaces proline 2152 with serine.
Molecular consequence: missense variant.
Genome position (GRCh38, 1-based): chr7:103,545,193, G>A on the plus strand (C>T on the coding strand, the complement: RELN is on the minus strand). VCF-style: chr7-103545193-G-A. GRCh37 (hg19) VCF-style: chr7-103185640-G-A.
Other names: c.6454C>T, p.Pro2152Ser (NM_173054.3); short protein forms P2152S.
Identifiers: ClinVar variation 1025001 (VCV001025001.8), dbSNP rs1830265054, ClinGen allele CA368770971.